The following is an entry in ClinVar:

NM_001042492.3(NF1):c.392C>G (p.Ala131Gly)

Gene: NF1 (neurofibromin 1; plus strand). Cytogenetic location: 17q11.2.
Variant type: single nucleotide variant.
Coding change: c.392C>G on transcript NM_001042492.3 (MANE Select); coding-DNA position 392, C replaced by G.
Protein change: p.Ala131Gly; replaces alanine 131 with glycine.
Molecular consequence: missense variant.
Genome position (GRCh38, 1-based): chr17:31,163,289, C>G. VCF-style: chr17-31163289-C-G. GRCh37 (hg19) VCF-style: chr17-29490307-C-G.
Other names: c.392C>G, p.Ala131Gly (NM_000267.4, NM_001128147.3); short protein forms A131G.
Identifiers: ClinVar variation 4860888 (VCV004860888.1).

ClinVar aggregate classification (germline): Uncertain significance (1 of 4 stars; one submission).

Conditions:
Cardiovascular phenotype. Identifiers: MedGen CN230736.
Hereditary cancer-predisposing syndrome. Also called: Neoplastic Syndromes, Hereditary; Tumor predisposition; Hereditary Cancer Syndrome; Hereditary neoplastic syndrome. Identifiers: Orphanet 140162, MedGen C0027672, MeSH D009386, MONDO:0015356.

Submission:

Ambry Genetics
Classification: Uncertain significance for Cardiovascular phenotype; Hereditary cancer-predisposing syndrome. Last evaluated: 2026-03-30. Review status: criteria provided, single submitter. Criteria: Ambry Variant Classification Scheme 2023. Collection method: clinical testing. Allele origin: germline.
Comment: The p.A131G variant (also known as c.392C>G), located in coding exon 4 of the NF1 gene, results from a C to G substitution at nucleotide position 392. The alanine at codon 131 is replaced by glycine, an amino acid with similar properties. This amino acid position is highly conserved in available vertebrate species. In addition, the in silico prediction for this alteration is inconclusive. Based on the available evidence, the clinical significance of this variant remains unclear.